The following is an entry in ClinVar:

ClinVar aggregate classification (germline): Uncertain significance. Review status: criteria provided, multiple submitters, no conflicts (2 of 4 stars). 4 submissions from 4 submitters: Uncertain significance (4). Last evaluated 2024-11-13.

Conditions:
Inborn genetic diseases. Identifiers: MedGen C0950123, MeSH D030342.

Allele frequency attached by ClinVar (database versions not stated): gnomAD 0.00062; ExAC 0.00064; ESP Exome Variant Server 0.00085; gnomAD exomes 0.00100.

Submissions (4):

Blueprint Genetics
Classification: Uncertain significance. Last evaluated: 2024-11-13. Review status: criteria provided, single submitter. Criteria: ACMG Guidelines, 2015. Collection method: clinical testing. Allele origin: germline.

Clinical Genetics Laboratory, Skane University Hospital Lund
Classification: Uncertain significance. Last evaluated: 2022-07-15. Review status: criteria provided, single submitter. Criteria: ACMG Guidelines, 2015. Collection method: clinical testing. Allele origin: germline. Affected: yes.

Labcorp Genetics (formerly Invitae), Labcorp
Classification: Uncertain significance. Last evaluated: 2022-06-14. Review status: criteria provided, single submitter. Criteria: Invitae Variant Classification Sherloc (09022015). Collection method: clinical testing. Allele origin: germline.
Comment: This sequence change replaces leucine, which is neutral and non-polar, with proline, which is neutral and non-polar, at codon 322 of the CENPF protein (p.Leu322Pro). This variant is present in population databases (rs140399039, gnomAD 0.1%), and has an allele count higher than expected for a pathogenic variant. This missense change has been observed in individual(s) with clinical features of CENPF-related conditions (PMID: 33729517). Algorithms developed to predict the effect of missense changes on protein structure and function (SIFT, PolyPhen-2, Align-GVGD) all suggest that this variant is likely to be disruptive. In summary, the available evidence is currently insufficient to determine the role of this variant in disease. Therefore, it has been classified as a Variant of Uncertain Significance.

Ambry Genetics
Classification: Uncertain significance for Inborn genetic diseases. Last evaluated: 2021-12-02. Review status: criteria provided, single submitter. Criteria: Ambry Variant Classification Scheme 2023. Collection method: clinical testing. Allele origin: germline.

Literature cited by the submitters: PubMed 33729517 (cited by Labcorp Genetics (formerly Invitae), Labcorp).

NM_016343.4(CENPF):c.965T>C (p.Leu322Pro)

Gene: CENPF (centromere protein F; plus strand). Cytogenetic location: 1q41.
Variant type: single nucleotide variant.
Coding change: c.965T>C on transcript NM_016343.4 (MANE Select); coding-DNA position 965, T replaced by C.
Protein change: p.Leu322Pro; replaces leucine 322 with proline.
Molecular consequence: missense variant.
Genome position (GRCh38, 1-based): chr1:214,622,178, T>C. VCF-style: chr1-214622178-T-C. GRCh37 (hg19) VCF-style: chr1-214795521-T-C.
Other names: short protein forms L322P.
Identifiers: ClinVar variation 2063702 (VCV002063702.4), dbSNP rs140399039, ClinGen allele CA1389891.